The following is an entry in ClinVar:

ClinVar aggregate classification (germline): Uncertain significance (1 of 4 stars; one submission).

Allele frequency attached by ClinVar (database versions not stated): gnomAD 0.00001; gnomAD exomes 0.00002; TOPMed 0.00002.
gnomAD v4.1: 18 of 1,210,700 alleles (0.0015%); highest among the groups gnomAD compares: Non-Finnish European, 0.0019%; no homozygotes.

Submission:

GeneDx
Classification: Uncertain significance. Last evaluated: 2024-09-30. Review status: criteria provided, single submitter. Criteria: GeneDx Variant Classification Process June 2021. Collection method: clinical testing. Allele origin: germline. Affected: yes.
Comment: Not observed at significant frequency in large population cohorts (gnomAD); In silico analysis supports that this missense variant has a deleterious effect on protein structure/function; Has not been previously published as pathogenic or benign to our knowledge

NM_013444.4(UBQLN2):c.1255A>G (p.Asn419Asp)

Gene: UBQLN2 (ubiquilin 2; plus strand). Cytogenetic location: Xp11.21.
Variant type: single nucleotide variant.
Coding change: c.1255A>G on transcript NM_013444.4 (MANE Select); coding-DNA position 1255, A replaced by G.
Protein change: p.Asn419Asp; replaces asparagine 419 with aspartic acid.
Molecular consequence: missense variant.
Genome position (GRCh38, 1-based): chrX:56,565,128, A>G. VCF-style: chrX-56565128-A-G. GRCh37 (hg19) VCF-style: chrX-56591561-A-G.
Other names: short protein forms N419D.
Identifiers: ClinVar variation 1315163 (VCV001315163.3), dbSNP rs896077077, ClinGen allele CA330041885.